The following is an entry in ClinVar:

NM_005732.4(RAD50):c.3496C>T (p.Arg1166Trp)

Genes: TH2LCRR (T helper type 2 locus control region associated RNA; minus strand), RAD50 (RAD50 double strand break repair protein; plus strand), TH2-LCR (Th2 cytokine locus control region; plus strand). Cytogenetic location: 5q31.1.
Variant type: single nucleotide variant.
Coding change: c.3496C>T on transcript NM_005732.4 (MANE Select); coding-DNA position 3496, C replaced by T.
Protein change: p.Arg1166Trp; replaces arginine 1166 with tryptophan.
Molecular consequence: missense variant. On other transcripts: non-coding transcript variant (2).
Genome position (GRCh38, 1-based): chr5:132,638,101, C>T. VCF-style: chr5-132638101-C-T. GRCh37 (hg19) VCF-style: chr5-131973793-C-T.
Other names: short protein forms R1166W.
Identifiers: ClinVar variation 142598 (VCV000142598.23), dbSNP rs587782577, ClinGen allele CA333277.

ClinVar aggregate classification (germline): Conflicting classifications of pathogenicity. Review status: criteria provided, conflicting classifications (1 of 4 stars). 7 submissions from 7 submitters: Uncertain significance (5); Likely benign (2). Last evaluated 2026-01-31.

Conditions:
Hereditary cancer-predisposing syndrome. Also called: Hereditary Cancer Syndrome; Neoplastic Syndromes, Hereditary; Hereditary neoplastic syndrome; Tumor predisposition. Identifiers: Orphanet 140162, MedGen C0027672, MeSH D009386, MONDO:0015356.
Hereditary breast ovarian cancer syndrome. Also called: BRCA1- and BRCA2-Associated Hereditary Breast and Ovarian Cancer; Hereditary breast and ovarian cancer syndrome; Hereditary breast and/or ovarian cancer syndrome; Breast and ovarian cancer; Hereditary breast and ovarian cancer; Hereditary breast and ovarian cancer syndrome (HBOC). Identifiers: Orphanet 145, MedGen C0677776, MeSH D061325, MONDO:0003582. Disease mechanism: loss of function.
Nijmegen breakage syndrome-like disorder (NBSLD). Also called: MICROCEPHALY AND SPONTANEOUS CHROMOSOME INSTABILITY WITHOUT IMMUNODEFICIENCY; NBS-LIKE DISORDER; RAD50 DEFICIENCY. Identifiers: Orphanet 240760, MedGen C2751318, MONDO:0013118, OMIM 613078.

Allele frequency attached by ClinVar (database versions not stated): ExAC 0.00002; gnomAD exomes 0.00004; gnomAD 0.00005; TOPMed 0.00011.
gnomAD v4.1: 45 of 1,613,848 alleles (0.0028%); highest among the groups gnomAD compares: Admixed American, 0.02%; 1 homozygote.

Submissions (7):

Labcorp Genetics (formerly Invitae), Labcorp
Classification: Likely benign for Hereditary cancer-predisposing syndrome. Last evaluated: 2026-01-31. Review status: criteria provided, single submitter. Criteria: Invitae Variant Classification Sherloc (09022015). Collection method: clinical testing. Allele origin: germline.

Quest Diagnostics Nichols Institute San Juan Capistrano
Classification: Uncertain significance. Last evaluated: 2025-10-17. Review status: criteria provided, single submitter. Criteria: Quest Diagnostics criteria. Collection method: clinical testing. Allele origin: unknown.
Comment: The RAD50 c.3496C>T (p.Arg1166Trp) variant has been reported in the published literature in individuals with personal and/or family history of breast cancer (PMID: 24894818 (2014), 29752822 (2018)), and in a study of prostate cancer cases and reportedly unaffected male individuals (PMID: 32832836 (2020)). In a large scale breast cancer association study, this variant has been observed in breast cancer cases and reportedly unaffected individuals (PMID: 33471991 (2021), see also LOVD). This variant was also reported as a somatic variant in individuals with lung cancer (PMID: 39052387 (2024)), thyroid cancer (PMID: 33222100 (2021)), and pediatric lymphoepithelioma-like carcinoma (pLELC) (PMID: 39633439 (2024)). The frequency of this variant in the general population (Genome Aggregation Database) is uninformative in the assessment of its pathogenicity. Analysis of this variant using bioinformatics tools for the prediction of the effect of amino acid changes on protein structure and function yielded conflicting predictions that this variant is benign or damaging. Based on the available information, we are unable to determine the clinical significance of this variant.

Women's Health and Genetics/Laboratory Corporation of America, LabCorp
Classification: Likely benign. Last evaluated: 2024-08-13. Review status: criteria provided, single submitter. Criteria: LabCorp Variant Classification Summary - May 2015. Collection method: clinical testing. Allele origin: germline.
Comment: Variant summary: RAD50 c.3496C>T (p.Arg1166Trp) results in a non-conservative amino acid change in the encoded protein sequence. Five of five in-silico tools predict a damaging effect of the variant on protein function. The variant allele was found at a frequency of 2.8e-05 in 1613848 control chromosomes, predominantly at a frequency of 0.0002 within the Latino subpopulation in the gnomAD database (v4). The observed variant frequency within Latino control individuals in the gnomAD database is approximately 3 fold of the estimated maximal expected allele frequency for a pathogenic variant in RAD50 causing Hereditary Breast And Ovarian Cancer Syndrome phenotype (6.3e-05). c.3496C>T has been reported in the literature in settings of multigene panel testing of individuals affected with early onset or high hereditary risk breast cancer (example Damiola_2014, Young_2016, Li_2019). These report(s) do not provide unequivocal conclusions about association of the variant with Hereditary Breast And Ovarian Cancer Syndrome. To our knowledge, no experimental evidence demonstrating an impact on protein function has been reported. The following publications have been ascertained in the context of this evaluation (PMID: 26787654, 24894818, 29752822). ClinVar contains an entry for this variant (Variation ID: 142598). Based on the evidence outlined above, the variant was classified as likely benign.

Fulgent Genetics
Classification: Uncertain significance for Nijmegen breakage syndrome-like disorder. Last evaluated: 2024-05-15. Review status: criteria provided, single submitter. Criteria: ACMG Guidelines, 2015. Collection method: clinical testing. Allele origin: germline.

Baylor Genetics
Classification: Uncertain significance for Nijmegen breakage syndrome-like disorder. Last evaluated: 2024-03-14. Review status: criteria provided, single submitter. Criteria: ACMG Guidelines, 2015. Collection method: clinical testing. Allele origin: unknown.

Ambry Genetics
Classification: Uncertain significance for Hereditary cancer-predisposing syndrome. Last evaluated: 2023-11-15. Review status: criteria provided, single submitter. Criteria: Ambry Variant Classification Scheme 2023. Collection method: clinical testing. Allele origin: germline.
Comment: The p.R1166W variant (also known as c.3496C>T), located in coding exon 23 of the RAD50 gene, results from a C to T substitution at nucleotide position 3496. The arginine at codon 1166 is replaced by tryptophan, an amino acid with dissimilar properties. This alteration has been identified in individuals diagnosed with breast cancer (Damiola F et al. Breast Cancer Res. 2014 Jun;16:R58; Li JY et al. Int J Cancer, 2019 01;144:281-289). This alteration was also identified in a study of 1297 cases of early-onset breast cancer and 1121 controls; however, it was not specified if this variant was seen in a case or control (Young EL et al. J. Med. Genet. 2016 Jun;53:366-76). Additionally, this variant was identified in a cohort of 3,579 African males diagnosed with prostate cancer who underwent multi-gene panel testing of 19 DNA repair and cancer predisposition genes (Matejcic M et al. JCO Precis Oncol, 2020 Jan;4:32-43). This amino acid position is highly conserved in available vertebrate species. In addition, this alteration is predicted to be deleterious by in silico analysis. Since supporting evidence is limited at this time, the clinical significance of this alteration remains unclear.

Cancer Genomics Group, Japanese Foundation For Cancer Research
Classification: Uncertain significance for Hereditary breast and ovarian cancer syndrome. Last evaluated: 2019-05-01. Review status: criteria provided, single submitter. Criteria: ACMG Guidelines, 2015. Collection method: research. Allele origin: germline. Affected: yes.

Literature cited by the submitters: PubMed 29752822 (cited by 3 submitters); PubMed 24894818 (cited by 3 submitters); PubMed 26787654 (cited by 3 submitters); PubMed 33471991 (cited by Quest Diagnostics Nichols Institute San Juan Capistrano); PubMed 32832836 (cited by Quest Diagnostics Nichols Institute San Juan Capistrano and Ambry Genetics); PubMed 39052387 (cited by Quest Diagnostics Nichols Institute San Juan Capistrano); PubMed 39633439 (cited by Quest Diagnostics Nichols Institute San Juan Capistrano); PubMed 33222100 (cited by Quest Diagnostics Nichols Institute San Juan Capistrano).